The following is an entry in ClinVar:

NM_206933.4(USH2A):c.1A>G (p.Met1Val)

Gene: USH2A (usherin; minus strand). Cytogenetic location: 1q41.
Variant type: single nucleotide variant.
Coding change: c.1A>G on transcript NM_206933.4 (MANE Select); coding-DNA position 1, A replaced by G.
Protein change: p.Met1Val; changes the start codon (methionine 1).
Molecular consequence: missense variant, initiator codon variant.
Genome position (GRCh38, 1-based): chr1:216,422,336, T>C on the plus strand (A>G on the coding strand, the complement: USH2A is on the minus strand). VCF-style: chr1-216422336-T-C. GRCh37 (hg19) VCF-style: chr1-216595678-T-C.
Other names: c.1A>G, p.Met1Val (NM_007123.6); short protein forms M1V.
Identifiers: ClinVar variation 553979 (VCV000553979.12), dbSNP rs924627806, ClinGen allele CA37922164.
Genomic context (GRCh38, chr1:216,422,336, plus strand): 5'-TCAACATTTCAATGACCTGAAACAAGAAGCCAGAGCCCAATGAAAGAACTGGGCAATTCA[T>C]GTTTACAAAAAAGCATTCTCCTCCTGATAAAGCATTTCTAAATAAATAATCAGGCCCACG-3'
Protein context (NP_996816.3, residues 1-11): [Met1Val]NCPVLSLGSG

ClinVar aggregate classification (germline): Conflicting classifications of pathogenicity. Review status: criteria provided, conflicting classifications (1 of 4 stars). 6 submissions from 5 submitters: Likely pathogenic (2); Uncertain significance (3). 1 of the submissions does not count toward it. Last evaluated 2024-01-18.

Conditions:
USH2A-related disorder. Also called: USH2A-related disorders; USH2A-related condition. Identifiers: MedGen CN239332.
Retinitis pigmentosa (RP). Identifiers: Orphanet 791, MedGen C0035334, MeSH D012174, MONDO:0019200, OMIM 268000. Inheritance: Autosomal dominant, autosomal recessive and X linked inheritance.
Usher syndrome type 2A. Also called: RETINAL DISEASE IN USHER SYNDROME TYPE IIA, MODIFIER OF; USHER SYNDROME, TYPE IIA. Identifiers: Orphanet 231178, Orphanet 886, MedGen C1848634, MONDO:0010169, OMIM 276901.
Retinitis pigmentosa 39 (RP39). Identifiers: Orphanet 791, MedGen C3151138, MONDO:0013436, OMIM 613809.

Allele frequency attached by ClinVar (database versions not stated): TOPMed 0.00003; gnomAD 0.00005 and 0.00006.

Submissions (6):

GeneDx
Classification: Likely pathogenic. Last evaluated: 2024-01-18. Review status: criteria provided, single submitter. Criteria: GeneDx Variant Classification Process June 2021. Collection method: clinical testing. Allele origin: germline. Affected: yes.
Comment: Initiation codon variant in a gene for which loss of function is a known mechanism of disease; Not observed at significant frequency in large population cohorts (gnomAD); Reported previously in an unaffected carrier; however, no further information was provided (PMID: 31964843); This variant is associated with the following publications: (PMID: 31964843)

Blueprint Genetics
Classification: Likely pathogenic for USH2A-related disorders. Last evaluated: 2022-01-17. Review status: criteria provided, single submitter. Criteria: ACMG Guidelines, 2015. Collection method: clinical testing. Allele origin: germline. Affected: yes. Observed: 3 variant alleles.

Labcorp Genetics (formerly Invitae), Labcorp
Classification: Uncertain significance. Last evaluated: 2021-07-21. Review status: criteria provided, single submitter. Criteria: Invitae Variant Classification Sherloc (09022015). Collection method: clinical testing. Allele origin: germline.
Comment: This sequence change affects the initiator methionine of the USH2A mRNA. The next in-frame methionine is located at codon 19. This variant is not present in population databases (ExAC no frequency). This variant has not been reported in the literature in individuals affected with USH2A-related conditions. ClinVar contains an entry for this variant (Variation ID: 553979). In summary, the available evidence is currently insufficient to determine the role of this variant in disease. Therefore, it has been classified as a Variant of Uncertain Significance.

Illumina Laboratory Services, Illumina
Classification: Uncertain significance for Usher syndrome type 2A. Last evaluated: 2018-01-13. Review status: criteria provided, single submitter. Criteria: ICSL Variant Classification Criteria 13 December 2019. Collection method: clinical testing. Allele origin: germline.

Illumina Laboratory Services, Illumina
Classification: Uncertain significance for Retinitis pigmentosa. Last evaluated: 2018-01-13. Review status: criteria provided, single submitter. Criteria: ICSL Variant Classification Criteria 13 December 2019. Collection method: clinical testing. Allele origin: germline.

Counsyl
Classification: Likely pathogenic for Usher syndrome type 2A; Retinitis pigmentosa 39. Last evaluated: 2017-10-05. Review status: no assertion criteria provided. Collection method: clinical testing. Allele origin: unknown. Not counted in ClinVar's aggregate classification.